The following is an entry in ClinVar:

ClinVar aggregate classification (germline): Uncertain significance (1 of 4 stars; one submission).

Conditions:
Long QT syndrome (LQTS). Identifiers: MedGen C0023976, MeSH D008133, MONDO:0002442. Disease mechanism: loss of function. Inheritance: Various modes of inheritance.

Submission:

Labcorp Genetics (formerly Invitae), Labcorp
Classification: Uncertain significance for Long QT syndrome. Last evaluated: 2017-02-28. Review status: criteria provided, single submitter. Criteria: Invitae Variant Classification Sherloc (09022015). Collection method: clinical testing. Allele origin: germline.
Comment: This variant is a gross duplication of the genomic region encompassing exon 2 of the CACNA1C gene. While the exact position of the duplicated exons cannot be determined from this data, the duplicated copy of this region is likely in tandem and may result in an absent or disrupted protein product. While this duplication has not been reported in the literature, loss-of-function variants in CACNA1C are not necessarily pathogenic (PMID: 23677916,¬†17224476, 20817017, 15863612) and the clinical significance of this variant is uncertain at this time. For these reasons this variant has been classified as a Variant of Uncertain Significance.

Literature cited by the submitters: PubMed 23677916.

NC_000012.11:g.(?_2224370)_(2224731_?)dup

Gene: CACNA1C (calcium voltage-gated channel subunit alpha1 C; plus strand). Cytogenetic location: 12p13.33.
Variant type: Duplication.
Identifiers: ClinVar variation 456852 (VCV000456852.8).